The following is an entry in ClinVar:

ClinVar aggregate classification (germline): Pathogenic. Review status: criteria provided, multiple submitters, no conflicts (2 of 4 stars). 3 submissions from 3 submitters: Pathogenic (3). Last evaluated 2026-09-08.

Conditions:
Fabry disease. Also called: Ceramide trihexosidosis; Angiokeratoma corporis diffusum; ALPHA-GALACTOSIDASE A DEFICIENCY; ANDERSON-FABRY DISEASE; Fabry's disease; CERAMIDE TRIHEXOSIDASE DEFICIENCY. Identifiers: Orphanet 324, MedGen C0002986, MONDO:0010526, OMIM 301500, HP:0001071. Disease mechanism: Fabry disease is due to inactivating mutations in the X-linked GLA gene resulting in deficiency of the enzyme Alpha Galactosidase-A., loss of function.

Submissions (3):

Genomenon, Inc
Classification: Pathogenic for Fabry disease. Last evaluated: 2026-09-08. Review status: criteria provided, single submitter. Criteria: Genomenon Sequence Variant Interpretation Standards - Updated. Collection method: curation. Allele origin: germline. Affected: yes.
Comment: GLA p.Tyr207Cys (c.620A>G) is a missense variant that changes the amino acid at codon 207 from Tyrosine to Cysteine. This variant has been observed in at least one proband with clinical features consistent with Fabry disease (PMID:30972193). At least one functional study has demonstrated a substantial alteration in protein function relative to the wild-type (PMID:32023956;21598360;27657681). This variant is located in a mutational hotspot and/or important functional domain. It is absent or not present at a significant frequency in gnomAD. In silico models predict that this variant is possibly or probably damaging. In conclusion, we classify GLA p.Tyr207Cys (c.620A>G) as a pathogenic variant.

GeneDx
Classification: Pathogenic. Last evaluated: 2023-11-08. Review status: criteria provided, single submitter. Criteria: GeneDx Variant Classification Process June 2021. Collection method: clinical testing. Allele origin: germline. Affected: yes.
Comment: Published functional studies demonstrate a damaging effect [absent alpha galactosidase activity in transinfected cells compared to wild-type] (PMID: 21598360); Not observed at significant frequency in large population cohorts (gnomAD); In silico analysis supports that this missense variant has a deleterious effect on protein structure/function; This variant is associated with the following publications: (PMID: 24386359, 19387866, 21598360)

Eurofins Ntd Llc (ga)
Classification: Pathogenic. Last evaluated: 2014-05-06. Review status: criteria provided, single submitter. Criteria: EGL Classification Definitions 2015. Collection method: clinical testing. Allele origin: germline. Observed: 2 variant alleles, 2 heterozygotes.

Literature cited by the submitters: PubMed 30972193 (cited by Genomenon, Inc); PubMed 32023956 (cited by Genomenon, Inc); PubMed 21598360 (cited by Genomenon, Inc and Eurofins Ntd Llc (ga)); PubMed 27657681 (cited by Genomenon, Inc); PubMed 19387866 (cited by Eurofins Ntd Llc (ga)).

NM_000169.3(GLA):c.620A>G (p.Tyr207Cys)

Genes: GLA (galactosidase alpha; minus strand), RPL36A-HNRNPH2 (RPL36A-HNRNPH2 readthrough; plus strand). Cytogenetic location: Xq22.1.
Variant type: single nucleotide variant.
Coding change: c.620A>G on transcript NM_000169.3 (MANE Select); coding-DNA position 620, A replaced by G.
Protein change: p.Tyr207Cys; replaces tyrosine 207 with cysteine.
Molecular consequence: missense variant. On other transcripts: non-coding transcript variant (2), intron variant (2).
Genome position (GRCh38, 1-based): chrX:101,400,685, T>C on the plus strand (A>G on the coding strand, the complement: GLA is on the minus strand). VCF-style: chrX-101400685-T-C. GRCh37 (hg19) VCF-style: chrX-100655673-T-C.
Other names: c.743A>G, p.Tyr248Cys (NM_001406747.1); c.620A>G, p.Tyr207Cys (NM_001406748.1); c.300+5228T>C (NM_001199973.2); c.177+8863T>C (NM_001199974.2); short protein forms Y207C, Y248C.
Identifiers: ClinVar variation 197113 (VCV000197113.8), dbSNP rs797044727, ClinGen allele CA021845.